The following is an entry in ClinVar:

NM_000264.5(PTCH1):c.4248_4249delinsTT (p.His1417Tyr)

Gene: PTCH1 (patched 1; minus strand). Cytogenetic location: 9q22.32.
Variant type: Indel.
Coding change: c.4248_4249delinsTT on transcript NM_000264.5 (MANE Select); coding-DNA positions 4248 to 4249, CC replaced by TT.
Protein change: p.His1417Tyr; replaces histidine 1417 with tyrosine.
Molecular consequence: missense variant. On other transcripts: non-coding transcript variant (1).
Genome position (GRCh38, 1-based): chr9:95,447,007-95,447,008, GG replaced by AA on the plus strand (CC replaced by TT on the coding strand, the reverse complement: PTCH1 is on the minus strand). VCF-style: chr9-95447007-GG-AA. GRCh37 (hg19) VCF-style: chr9-98209289-GG-AA.
Other names: c.4050_4051delinsTT, p.His1351Tyr (NM_001083602.3); c.4245_4246delinsTT, p.His1416Tyr (NM_001083603.3); c.3795_3796delinsTT, p.His1266Tyr (NM_001083604.3, NM_001083605.3, NM_001083606.3 and 1 more transcripts); c.4092_4093delinsTT, p.His1365Tyr (NM_001354918.2); short protein forms H1266Y, H1351Y, H1416Y, H1365Y, H1417Y.
Identifiers: ClinVar variation 2449668 (VCV002449668.4), dbSNP rs2537995269, ClinGen allele CA2580080733.
Genomic context (GRCh38, chr9:95,447,007, plus strand): 5'-ATTCCACGTCCTGCAGCTCAATGACTTCCACCTTCGAATCCCTCCTCTCACACCGGACGT[GG>AA]AAAGGCACGTGGGGGTCCTCAAACAGGCCGTGGTCAGTCTCAGGGTAGCCTGGGCAGAGT-3'
Protein context (NP_000255.2, residues 1407-1427): GLFEDPHVPF[His1417Tyr]VRCERRDSKV

ClinVar aggregate classification (germline): Uncertain significance. Review status: criteria provided, multiple submitters, no conflicts (2 of 4 stars). 2 submissions from 2 submitters: Uncertain significance (2). Last evaluated 2024-08-12.

Conditions:
Hereditary cancer-predisposing syndrome. Also called: Hereditary neoplastic syndrome; Tumor predisposition; Neoplastic Syndromes, Hereditary; Hereditary Cancer Syndrome. Identifiers: Orphanet 140162, MedGen C0027672, MeSH D009386, MONDO:0015356.
Gorlin syndrome. Also called: Nevoid Basal Cell Carcinoma Syndrome; Basal cell nevus syndrome. Identifiers: Orphanet 377, MedGen C0004779, MONDO:0007187.

Submissions (2):

Labcorp Genetics (formerly Invitae), Labcorp
Classification: Uncertain significance for Gorlin syndrome. Last evaluated: 2024-08-12. Review status: criteria provided, single submitter. Criteria: Invitae Variant Classification Sherloc (09022015). Collection method: clinical testing. Allele origin: germline.
Comment: This sequence change replaces histidine, which is basic and polar, with tyrosine, which is neutral and polar, at codon 1417 of the PTCH1 protein (p.His1417Tyr). Information on the frequency of this variant in the gnomAD database is not available, as this variant may be reported differently in the database. This variant has not been reported in the literature in individuals affected with PTCH1-related conditions. ClinVar contains an entry for this variant (Variation ID: 2449668). Experimental studies and prediction algorithms are not available or were not evaluated, and the functional significance of this variant is currently unknown. In summary, the available evidence is currently insufficient to determine the role of this variant in disease. Therefore, it has been classified as a Variant of Uncertain Significance.

Ambry Genetics
Classification: Uncertain significance for Hereditary cancer-predisposing syndrome. Last evaluated: 2023-01-27. Review status: criteria provided, single submitter. Criteria: Ambry Variant Classification Scheme 2023. Collection method: clinical testing. Allele origin: germline.
Comment: The c.4248_4249delCCinsTT variant (also known as p.H1417Y), located in coding exon 23 of the PTCH1 gene, results from an in-frame deletion of CC and insertion of TT at nucleotide positions 4248 to 4249. This results in the substitution of the histidine residue for a tyrosine residue at codon 1417, an amino acid with similar properties. This amino acid position is not well conserved in available vertebrate species. In addition, this alteration is predicted to be neutral by in silico analysis (Choi Y et al. PLoS ONE. 2012; 7(10):e46688). Since supporting evidence is limited at this time, the clinical significance of this alteration remains unclear.